The following is an entry in ClinVar:

NM_001358235.2(DCHS2):c.496C>T (p.Arg166Cys)

Gene: DCHS2 (dachsous cadherin-related 2; minus strand). Cytogenetic location: 4q31.3.
Variant type: single nucleotide variant.
Coding change: c.496C>T on transcript NM_001358235.2 (MANE Select); coding-DNA position 496, C replaced by T.
Protein change: p.Arg166Cys; replaces arginine 166 with cysteine.
Molecular consequence: missense variant.
Genome position (GRCh38, 1-based): chr4:154,490,860, G>A on the plus strand (C>T on the coding strand, the complement: DCHS2 is on the minus strand). VCF-style: chr4-154490860-G-A. GRCh37 (hg19) VCF-style: chr4-155412012-G-A.
Other names: c.496C>T, p.Arg166Cys (NM_001142552.2, NM_001412223.1); short protein forms R166C.
Identifiers: ClinVar variation 3038189 (VCV003038189.2), dbSNP rs17031725, ClinGen allele CA3113898.

ClinVar aggregate classification (germline): Benign (0 of 4 stars; one submission).

Conditions:
DCHS2-related disorder. Also called: DCHS2-related condition.

Allele frequency attached by ClinVar (database versions not stated): 1000 Genomes Project 0.05711; 1000 Genomes Project 30x 0.06012; ESP Exome Variant Server 0.06110; TOPMed 0.06383.

Submission:

PreventionGenetics, part of Exact Sciences
Classification: Benign for DCHS2-related condition. Last evaluated: 2019-06-07. Review status: no assertion criteria provided. Collection method: clinical testing. Allele origin: germline.
Comment: This variant is classified as benign based on ACMG/AMP sequence variant interpretation guidelines (Richards et al. 2015 PMID: 25741868, with internal and published modifications).